The following is an entry in ClinVar:

ClinVar aggregate classification (germline): Uncertain significance. Review status: criteria provided, multiple submitters, no conflicts (2 of 4 stars). 3 submissions from 3 submitters: Uncertain significance (3). Last evaluated 2024-04-22.

Conditions:
Inborn genetic diseases. Identifiers: MedGen C0950123, MeSH D030342.
Vitamin D-dependent rickets, type 1A. Also called: VITAMIN D HYDROXYLATION-DEFICIENT RICKETS, TYPE 1A; PDDR IA; PSEUDOVITAMIN D-DEFICIENCY RICKETS, TYPE IA. Identifiers: MedGen CN283242, MONDO:0020723, OMIM 264700.

Allele frequency attached by ClinVar (database versions not stated): gnomAD exomes 0.00001; ExAC 0.00003; TOPMed 0.00004.
gnomAD v4.1: 10 of 1,614,166 alleles (0.00062%); highest among the groups gnomAD compares: East Asian, 0.02%; no homozygotes.

Submissions (3):

Fulgent Genetics
Classification: Uncertain significance for Vitamin D-dependent rickets, type 1A. Last evaluated: 2024-04-22. Review status: criteria provided, single submitter. Criteria: ACMG Guidelines, 2015. Collection method: clinical testing. Allele origin: germline.

Ambry Genetics
Classification: Uncertain significance for Inborn genetic diseases. Last evaluated: 2022-03-29. Review status: criteria provided, single submitter. Criteria: Ambry Variant Classification Scheme 2023. Collection method: clinical testing. Allele origin: germline.

Labcorp Genetics (formerly Invitae), Labcorp
Classification: Uncertain significance. Last evaluated: 2021-12-28. Review status: criteria provided, single submitter. Criteria: Invitae Variant Classification Sherloc (09022015). Collection method: clinical testing. Allele origin: germline.
Comment: This sequence change replaces alanine, which is neutral and non-polar, with threonine, which is neutral and polar, at codon 50 of the CYP27B1 protein (p.Ala50Thr). This variant is present in population databases (rs759569512, gnomAD 0.03%). This variant has not been reported in the literature in individuals affected with CYP27B1-related conditions. Advanced modeling of protein sequence and biophysical properties (such as structural, functional, and spatial information, amino acid conservation, physicochemical variation, residue mobility, and thermodynamic stability) performed at Invitae indicates that this missense variant is not expected to disrupt CYP27B1 protein function. In summary, the available evidence is currently insufficient to determine the role of this variant in disease. Therefore, it has been classified as a Variant of Uncertain Significance.

NM_000785.4(CYP27B1):c.148G>A (p.Ala50Thr)

Gene: CYP27B1 (cytochrome P450 family 27 subfamily B member 1; minus strand). Cytogenetic location: 12q14.1.
Variant type: single nucleotide variant.
Coding change: c.148G>A on transcript NM_000785.4 (MANE Select); coding-DNA position 148, G replaced by A.
Protein change: p.Ala50Thr; replaces alanine 50 with threonine.
Molecular consequence: missense variant.
Genome position (GRCh38, 1-based): chr12:57,766,894, C>T on the plus strand (G>A on the coding strand, the complement: CYP27B1 is on the minus strand). VCF-style: chr12-57766894-C-T. GRCh37 (hg19) VCF-style: chr12-58160677-C-T.
Other names: short protein forms A50T.
Identifiers: ClinVar variation 1943189 (VCV001943189.4), dbSNP rs759569512, ClinGen allele CA6658533.